The following is an entry in ClinVar:

NM_001267550.2(TTN):c.73743C>A (p.Asp24581Glu)

Genes: TTN (titin; minus strand), TTN-AS1 (TTN antisense RNA 1; plus strand). Cytogenetic location: 2q31.2.
Variant type: single nucleotide variant.
Coding change: c.73743C>A on transcript NM_001267550.2 (MANE Select); coding-DNA position 73743, C replaced by A.
Protein change: p.Asp24581Glu; replaces aspartic acid 24581 with glutamic acid.
Molecular consequence: missense variant.
Genome position (GRCh38, 1-based): chr2:178,572,389, G>T on the plus strand (C>A on the coding strand, the complement: TTN is on the minus strand). VCF-style: chr2-178572389-G-T. GRCh37 (hg19) VCF-style: chr2-179437116-G-T.
Other names: c.66039C>A, p.Asp22013Glu (NM_133378.4); c.68820C>A, p.Asp22940Glu (NM_001256850.1); c.46548C>A, p.Asp15516Glu (NM_003319.4); c.46923C>A, p.Asp15641Glu (NM_133432.3); c.47124C>A, p.Asp15708Glu (NM_133437.4); short protein forms D22013E, D24581E, D15708E, D15641E, D15516E, D22940E.
Identifiers: ClinVar variation 179066 (VCV000179066.6), dbSNP rs727504603, ClinGen allele CA183661.

ClinVar aggregate classification (germline): Likely benign. Review status: criteria provided, multiple submitters, no conflicts (2 of 4 stars). 2 submissions from 2 submitters: Likely benign (2). Last evaluated 2022-10-31.

Allele frequency attached by ClinVar (database versions not stated): gnomAD exomes below 0.00001 and 0.00003; TOPMed 0.00001.
gnomAD v4.1: 36 of 1,613,062 alleles (0.0022%); highest among the groups gnomAD compares: Non-Finnish European, 0.003%; no homozygotes.

Submissions (2):

Blueprint Genetics
Classification: Likely benign. Last evaluated: 2022-10-31. Review status: criteria provided, single submitter. Criteria: ACMG Guidelines, 2015. Collection method: clinical testing. Allele origin: germline.

Laboratory for Molecular Medicine, Mass General Brigham Personalized Medicine
Classification: Likely benign. Last evaluated: 2013-06-14. Review status: criteria provided, single submitter. Criteria: LMM Criteria. Collection method: clinical testing. Allele origin: germline. Observed: 1 variant allele.
Comment: Asp22013Glu in exon 275 of TTN: This variant is not expected to have clinical si gnificance due to a lack of conservation across species, including mammals. Of n ote, bushbaby, kangaroo rat, and hedgehog have a glutamic acid (Glu) at this pos ition despite high nearby amino acid conservation. In addition, computational an alyses (AlignGVGD, PolyPhen2, SIFT) do not suggest a high likelihood of impact t o the protein.